The following is an entry in ClinVar:

ClinVar aggregate classification (germline): Conflicting classifications of pathogenicity. Review status: criteria provided, conflicting classifications (1 of 4 stars). 6 submissions from 6 submitters: Pathogenic (2); Uncertain significance (4). Last evaluated 2025-05-05.

Conditions:
Retinal dystrophy. Also called: Inherited retinal dystrophy. Identifiers: Orphanet 71862, MedGen C0854723, MeSH D058499, MONDO:0019118, HP:0000556.
Retinitis pigmentosa 54 (RP54). Identifiers: Orphanet 791, MedGen C3150691, MONDO:0013263, OMIM 613428.
PCARE-related disorder. Also called: PCARE-related condition.
C2ORF71 & PCARE-related disorders.

Allele frequency attached by ClinVar (database versions not stated): gnomAD exomes 0.00001; TOPMed 0.00001.
gnomAD v4.1: 12 of 1,535,982 alleles (0.00078%); highest among the groups gnomAD compares: East Asian, 0.011%; no homozygotes.

Submissions (6):

Labcorp Genetics (formerly Invitae), Labcorp
Classification: Pathogenic. Last evaluated: 2025-05-05. Review status: criteria provided, single submitter. Criteria: Invitae Variant Classification Sherloc (09022015). Collection method: clinical testing. Allele origin: germline.
Comment: This sequence change replaces cysteine, which is neutral and slightly polar, with tyrosine, which is neutral and polar, at codon 3 of the PCARE protein (p.Cys3Tyr). This variant is not present in population databases (gnomAD no frequency). This missense change has been observed in individual(s) with retinitis pigmentosa (PMID: 33576794, 34964967, 36819107; internal data). In at least one individual the data is consistent with being in trans (on the opposite chromosome) from a pathogenic variant. ClinVar contains an entry for this variant (Variation ID: 854244). An algorithm developed to predict the effect of missense changes on protein structure and function (PolyPhen-2) suggests that this variant is likely to be disruptive. For these reasons, this variant has been classified as Pathogenic.

PreventionGenetics, part of Exact Sciences
Classification: Uncertain significance for PCARE-related condition. Last evaluated: 2024-10-17. Review status: criteria provided, single submitter. Criteria: ACMG Guidelines, 2015. Collection method: clinical testing. Allele origin: germline.
Comment: The PCARE c.8G>A variant is predicted to result in the amino acid substitution p.Cys3Tyr. This variant has been reported in the homozygous state in at least two individuals with retinal disease (Table S4, Colombo et al. 2021. PubMed ID: 33576794; Table S4, Panneman et al. 2023. PubMed ID: 36819107). This variant has not been reported in a large population database (gnomAD), indicating this variant is rare. Although we suspect that this variant may be pathogenic, at this time, the clinical significance of this variant is uncertain due to the absence of conclusive functional and genetic evidence.

3billion
Classification: Uncertain significance for Retinitis pigmentosa 54. Last evaluated: 2024-09-13. Review status: criteria provided, single submitter. Criteria: ACMG Guidelines, 2015. Collection method: clinical testing. Allele origin: germline. Affected: yes.
Comment: The variant is observed at an extremely low frequency in the gnomAD v4.0.0 dataset (total allele frequency: <0.001%). Predicted Consequence/Location: Missense variant. The majority of the known disease-causing variants of this gene are variants expected to result in premature termination of the protein. In silico tool predictions suggest damaging effect of the variant on gene or gene product [REVEL: 0.35 (>=0.6, sensitivity 0.68 and specificity 0.92); 3Cnet: 0.62 (>=0.6, sensitivity 0.72 and precision 0.9)]. The same nucleotide change resulting in the same amino acid change has been previously reported to be associated with PCARE related disorder (ClinVar ID: VCV000854244 /PMID: 33576794). Therefore, this variant is classified as VUS according to the recommendation of ACMG/AMP guideline.

Dept Of Ophthalmology, Nagoya University
Classification: Uncertain significance for Retinal dystrophy. Last evaluated: 2023-10-01. Review status: criteria provided, single submitter. Criteria: Submitter's publication. Collection method: research. Allele origin: germline. Affected: yes.

Fulgent Genetics
Classification: Uncertain significance for Retinitis pigmentosa 54. Last evaluated: 2021-11-03. Review status: criteria provided, single submitter. Criteria: ACMG Guidelines, 2015. Collection method: clinical testing. Allele origin: unknown.

Blueprint Genetics
Classification: Pathogenic for C2ORF71 & PCARE-related disorders. Last evaluated: 2020-10-27. Review status: criteria provided, single submitter. Criteria: ACMG Guidelines, 2015. Collection method: clinical testing. Allele origin: germline. Affected: yes. Observed: 4 variant alleles.

Literature cited by the submitters: PubMed 33576794 (cited by Labcorp Genetics (formerly Invitae), Labcorp and 3billion); PubMed 34964967 (cited by Labcorp Genetics (formerly Invitae), Labcorp); PubMed 36819107 (cited by Labcorp Genetics (formerly Invitae), Labcorp).

NM_001029883.3(PCARE):c.8G>A (p.Cys3Tyr)

Gene: PCARE (photoreceptor cilium actin regulator; minus strand). Cytogenetic location: 2p23.2.
Variant type: single nucleotide variant.
Coding change: c.8G>A on transcript NM_001029883.3 (MANE Select); coding-DNA position 8, G replaced by A.
Protein change: p.Cys3Tyr; replaces cysteine 3 with tyrosine.
Molecular consequence: missense variant.
Genome position (GRCh38, 1-based): chr2:29,074,254, C>T on the plus strand (G>A on the coding strand, the complement: PCARE is on the minus strand). VCF-style: chr2-29074254-C-T. GRCh37 (hg19) VCF-style: chr2-29297120-C-T.
Other names: short protein forms C3Y.
Identifiers: ClinVar variation 854244 (VCV000854244.14), dbSNP rs1420546201, ClinGen allele CA346483233.
Genomic context (GRCh38, chr2:29,074,254, plus strand): 5'-TTCAAGAACTGAATGCCACTCTTTGCAACGCTGTTTACAAGGTCACTGTGTGAAGGTGTA[C>T]ACCCCATGATTTCAGCTTGTAGTCATCTTCCACCCACCTTCACAATTTTCCAAGAATCAT-3'
Protein context (NP_001025054.1, residues 1-13): MG[Cys3Tyr]TPSHSDLVNS